The following is an entry in ClinVar:

NM_016507.4(CDK12):c.3593A>G (p.Glu1198Gly)

Gene: CDK12 (cyclin dependent kinase 12; plus strand). Cytogenetic location: 17q12.
Variant type: single nucleotide variant.
Coding change: c.3593A>G on transcript NM_016507.4 (MANE Select); coding-DNA position 3593, A replaced by G.
Protein change: p.Glu1198Gly; replaces glutamic acid 1198 with glycine.
Molecular consequence: missense variant.
Genome position (GRCh38, 1-based): chr17:39,526,149, A>G. VCF-style: chr17-39526149-A-G. GRCh37 (hg19) VCF-style: chr17-37682402-A-G.
Other names: c.3593A>G, p.Glu1198Gly (NM_015083.4); short protein forms E1198G.
Identifiers: ClinVar variation 3830484 (VCV003830484.1).

ClinVar aggregate classification (germline): Uncertain significance (1 of 4 stars; one submission).

Submission:

Ambry Genetics
Classification: Uncertain significance. Last evaluated: 2025-01-11. Review status: criteria provided, single submitter. Criteria: Ambry Variant Classification Scheme 2023. Collection method: clinical testing. Allele origin: germline.
Comment: The p.E1198G variant (also known as c.3593A>G), located in coding exon 13 of the CDK12 gene, results from an A to G substitution at nucleotide position 3593. The glutamic acid at codon 1198 is replaced by glycine, an amino acid with similar properties. This amino acid position is conserved. In addition, this alteration is predicted to be tolerated by in silico analysis. Based on the available evidence, the clinical significance of this variant remains unclear.